The following is an entry in ClinVar:

NC_000006.12:g.32853785G>A

Gene: TAP1 (transporter 1, ATP binding cassette subfamily B member; minus strand). Cytogenetic location: 6p21.32.
Variant type: single nucleotide variant.
Genome position: GRCh38 VCF-style: chr6-32853785-G-A. GRCh37 (hg19) VCF-style: chr6-32821562-G-A.
Other names: short protein forms A11V.
Identifiers: ClinVar variation 971323 (VCV000971323.10), dbSNP rs1408055208, ClinGen allele CA363584588.

ClinVar aggregate classification (germline): Uncertain significance (1 of 4 stars; one submission).

Conditions:
MHC class I deficiency. Identifiers: Orphanet 34592, MedGen C6024714, MONDO:0011476.

Allele frequency attached by ClinVar (database versions not stated): TOPMed below 0.00001; gnomAD exomes below 0.00001.

Submission:

Labcorp Genetics (formerly Invitae), Labcorp
Classification: Uncertain significance for MHC class I deficiency 1. Last evaluated: 2022-02-10. Review status: criteria provided, single submitter. Criteria: Invitae Variant Classification Sherloc (09022015). Collection method: clinical testing. Allele origin: germline.
Comment: Algorithms developed to predict the effect of missense changes on protein structure and function output the following: SIFT: "Tolerated"; PolyPhen-2: "Not Available"; Align-GVGD: "Class C0". The valine amino acid residue is found in multiple mammalian species, which suggests that this missense change does not adversely affect protein function. ClinVar contains an entry for this variant (Variation ID: 971323). This variant has not been reported in the literature in individuals affected with TAP1-related conditions. The frequency data for this variant in the population databases is considered unreliable, as metrics indicate poor data quality at this position in the gnomAD database. This sequence change replaces alanine, which is neutral and non-polar, with valine, which is neutral and non-polar, at codon 11 of the TAP1 protein (p.Ala11Val). In summary, the available evidence is currently insufficient to determine the role of this variant in disease. Therefore, it has been classified as a Variant of Uncertain Significance.